The following is an entry in ClinVar:

ClinVar aggregate classification (germline): Uncertain significance (1 of 4 stars; one submission).

gnomAD v4.1: 4 of 1,517,914 alleles (0.00026%); highest among the groups gnomAD compares: Non-Finnish European, 0.00027%; no homozygotes.

Submission:

Women's Health and Genetics/Laboratory Corporation of America, LabCorp
Classification: Uncertain significance. Last evaluated: 2024-07-22. Review status: criteria provided, single submitter. Criteria: LabCorp Variant Classification Summary - May 2015. Collection method: clinical testing. Allele origin: germline.
Comment: Variant summary: CFHR1 c.*8C>A is located in the untranslated mRNA region downstream of the termination codon. The variant was absent in 236218 control chromosomes. The available data on variant occurrences in the general population are insufficient to allow any conclusion about variant significance. To our knowledge, no occurrence of c.*8C>A in individuals affected with Genetic Atypical Hemolytic Uremic Syndrome and no experimental evidence demonstrating its impact on protein function have been reported. No submitters have cited clinical-significance assessments for this variant to ClinVar. Based on the evidence outlined above, the variant was classified as uncertain significance.

NM_002113.3(CFHR1):c.*8C>A

Gene: CFHR1 (complement factor H related 1; plus strand). Cytogenetic location: 1q31.3.
Variant type: single nucleotide variant.
Coding change: c.*8C>A on transcript NM_002113.3 (MANE Select); 8 bases downstream of the stop codon, C replaced by A.
Molecular consequence: 3 prime UTR variant.
Genome position (GRCh38, 1-based): chr1:196,832,007, C>A. VCF-style: chr1-196832007-C-A. GRCh37 (hg19) VCF-style: chr1-196801137-C-A.
Other names: c.*8C>A (NM_001379306.1, NM_001379307.1, NM_001379308.1 and 4 more transcripts).
Identifiers: ClinVar variation 3339420 (VCV003339420.1).